The following is an entry in ClinVar:

ClinVar aggregate classification (germline): Uncertain significance. Review status: criteria provided, multiple submitters, no conflicts (2 of 4 stars). 2 submissions from 2 submitters: Uncertain significance (2). Last evaluated 2020-09-30.

Conditions:
Familial melanoma. Also called: Hereditary melanoma; Hereditary cutaneous melanoma. Identifiers: Orphanet 618, MedGen C1512419, MONDO:0018961.
Hereditary cancer-predisposing syndrome. Also called: Neoplastic Syndromes, Hereditary; Hereditary Cancer Syndrome; Hereditary neoplastic syndrome; Tumor predisposition. Identifiers: Orphanet 140162, MedGen C0027672, MeSH D009386, MONDO:0015356.

Submissions (2):

Ambry Genetics
Classification: Uncertain significance for Hereditary cancer-predisposing syndrome. Last evaluated: 2020-09-30. Review status: criteria provided, single submitter. Criteria: Ambry Variant Classification Scheme 2023. Collection method: clinical testing. Allele origin: germline.
Comment: The p.P234A variant (also known as c.700C>G), located in coding exon 6 of the CDK4 gene, results from a C to G substitution at nucleotide position 700. The proline at codon 234 is replaced by alanine, an amino acid with highly similar properties. This amino acid position is well conserved in available vertebrate species. In addition, this alteration is predicted to be tolerated by in silico analysis. Since supporting evidence is limited at this time, the clinical significance of this alteration remains unclear.

Labcorp Genetics (formerly Invitae), Labcorp
Classification: Uncertain significance for Familial melanoma. Last evaluated: 2020-03-29. Review status: criteria provided, single submitter. Criteria: Invitae Variant Classification Sherloc (09022015). Collection method: clinical testing. Allele origin: germline.
Comment: Algorithms developed to predict the effect of missense changes on protein structure and function output the following: SIFT: "Tolerated"; PolyPhen-2: "Benign"; Align-GVGD: "Class C0". The alanine amino acid residue is found in multiple mammalian species, suggesting that this missense change does not adversely affect protein function. These predictions have not been confirmed by published functional studies and their clinical significance is uncertain. In summary, the available evidence is currently insufficient to determine the role of this variant in disease. Therefore, it has been classified as a Variant of Uncertain Significance. This variant has not been reported in the literature in individuals with CDK4-related conditions. This variant is not present in population databases (ExAC no frequency). This sequence change replaces proline with alanine at codon 234 of the CDK4 protein (p.Pro234Ala). The proline residue is moderately conserved and there is a small physicochemical difference between proline and alanine.

NM_000075.4(CDK4):c.700C>G (p.Pro234Ala)

Genes: CDK4 (cyclin dependent kinase 4; minus strand), TSPAN31 (tetraspanin 31; plus strand). Cytogenetic location: 12q14.1.
Variant type: single nucleotide variant.
Coding change: c.700C>G on transcript NM_000075.4 (MANE Select); coding-DNA position 700, C replaced by G.
Protein change: p.Pro234Ala; replaces proline 234 with alanine.
Molecular consequence: missense variant. On other transcripts: 3 prime UTR variant (3).
Genome position (GRCh38, 1-based): chr12:57,749,301, G>C on the plus strand (C>G on the coding strand, the complement: CDK4 is on the minus strand). VCF-style: chr12-57749301-G-C. GRCh37 (hg19) VCF-style: chr12-58143084-G-C.
Other names: c.*2011G>C (NM_001330168.2, NM_001330169.2, NM_005981.5); short protein forms P234A.
Identifiers: ClinVar variation 1061882 (VCV001061882.11), dbSNP rs1474793589, ClinGen allele CA385543668.